The following is an entry in ClinVar:

NM_020778.5(ALPK3):c.107G>A (p.Ser36Asn)

Gene: ALPK3 (alpha kinase 3; plus strand). Cytogenetic location: 15q25.3.
Variant type: single nucleotide variant.
Coding change: c.107G>A on transcript NM_020778.5 (MANE Select); coding-DNA position 107, G replaced by A.
Protein change: p.Ser36Asn; replaces serine 36 with asparagine.
Molecular consequence: missense variant.
Genome position (GRCh38, 1-based): chr15:84,817,559, G>A. VCF-style: chr15-84817559-G-A. GRCh37 (hg19) VCF-style: chr15-85360790-G-A.
Other names: short protein forms S36N.
Identifiers: ClinVar variation 2100837 (VCV002100837.4), dbSNP rs1963375018, ClinGen allele CA393369493.

ClinVar aggregate classification (germline): Uncertain significance (1 of 4 stars; one submission).

Allele frequency attached by ClinVar (database versions not stated): gnomAD exomes below 0.00001.
gnomAD v4.1: 1 of 1,503,014 alleles (0.000067%); highest among the groups gnomAD compares: African/African-American, 0.0014%; no homozygotes.

Submission:

Labcorp Genetics (formerly Invitae), Labcorp
Classification: Uncertain significance. Last evaluated: 2025-05-15. Review status: criteria provided, single submitter. Criteria: Invitae Variant Classification Sherloc (09022015). Collection method: clinical testing. Allele origin: germline.
Comment: This sequence change replaces serine, which is neutral and polar, with asparagine, which is neutral and polar, at codon 238 of the ALPK3 protein (p.Ser238Asn). This variant is not present in population databases (gnomAD no frequency). This variant has not been reported in the literature in individuals affected with ALPK3-related conditions. ClinVar contains an entry for this variant (Variation ID: 2100837). An algorithm developed to predict the effect of missense changes on protein structure and function (PolyPhen-2) suggests that this variant is likely to be disruptive. In summary, the available evidence is currently insufficient to determine the role of this variant in disease. Therefore, it has been classified as a Variant of Uncertain Significance.